The following is an entry in ClinVar:

ClinVar aggregate classification (germline): Uncertain significance. Review status: criteria provided, multiple submitters, no conflicts (2 of 4 stars). 3 submissions from 3 submitters: Uncertain significance (3). Last evaluated 2025-11-23.

Conditions:
Inborn genetic diseases. Identifiers: MedGen C0950123, MeSH D030342.

Allele frequency attached by ClinVar (database versions not stated): gnomAD 0.00001; ExAC 0.00002; gnomAD exomes 0.00002; TOPMed 0.00003.
gnomAD v4.1: 32 of 1,613,452 alleles (0.002%); highest among the groups gnomAD compares: Middle Eastern, 0.016%; no homozygotes.

Submissions (3):

Labcorp Genetics (formerly Invitae), Labcorp
Classification: Uncertain significance. Last evaluated: 2025-11-23. Review status: criteria provided, single submitter. Criteria: Invitae Variant Classification Sherloc (09022015). Collection method: clinical testing. Allele origin: germline.
Comment: This sequence change replaces valine, which is neutral and non-polar, with leucine, which is neutral and non-polar, at codon 1662 of the KMT2E protein (p.Val1662Leu). This variant is present in population databases (rs776413928, gnomAD 0.004%). This variant has not been reported in the literature in individuals affected with KMT2E-related conditions. ClinVar contains an entry for this variant (Variation ID: 2504131). An algorithm developed to predict the effect of missense changes on protein structure and function (PolyPhen-2) suggests that this variant is likely to be tolerated. In summary, the available evidence is currently insufficient to determine the role of this variant in disease. Therefore, it has been classified as a Variant of Uncertain Significance.

Ambry Genetics
Classification: Uncertain significance for Inborn genetic diseases. Last evaluated: 2025-08-27. Review status: criteria provided, single submitter. Criteria: Ambry Variant Classification Scheme 2023. Collection method: clinical testing. Allele origin: germline.

Centre of Medical Genetics, University Hospital Muenster
Classification: Uncertain significance. Last evaluated: 2023-03-30. Review status: criteria provided, single submitter. Criteria: ACMG Guidelines, 2015. Collection method: clinical testing. Allele origin: unknown. Affected: yes. Observed: 1 variant allele, 1 heterozygote.
Comment: ACMG categories: PM2,PP3

NM_182931.3(KMT2E):c.4984G>C (p.Val1662Leu)

Gene: KMT2E (lysine methyltransferase 2E (inactive); plus strand). Cytogenetic location: 7q22.3.
Variant type: single nucleotide variant.
Coding change: c.4984G>C on transcript NM_182931.3 (MANE Select); coding-DNA position 4984, G replaced by C.
Protein change: p.Val1662Leu; replaces valine 1662 with leucine.
Molecular consequence: missense variant.
Genome position (GRCh38, 1-based): chr7:105,112,740, G>C. VCF-style: chr7-105112740-G-C. GRCh37 (hg19) VCF-style: chr7-104753187-G-C.
Other names: c.4984G>C (NM_182931.2); c.4858G>C, p.Val1620Leu (NM_001410908.1); c.4984G>C, p.Val1662Leu (NM_018682.4); short protein forms V1620L, V1662L.
Identifiers: ClinVar variation 2504131 (VCV002504131.6), dbSNP rs776413928, ClinGen allele CA4424872.